The following is an entry in ClinVar:

ClinVar aggregate classification (germline): Likely benign (0 of 4 stars; one submission).

Conditions:
VPS33A-related disorder. Also called: VPS33A-related condition.

Submission:

PreventionGenetics, part of Exact Sciences
Classification: Likely benign for VPS33A-related condition. Last evaluated: 2019-03-06. Review status: no assertion criteria provided. Collection method: clinical testing. Allele origin: germline.
Comment: This variant is classified as likely benign based on ACMG/AMP sequence variant interpretation guidelines (Richards et al. 2015 PMID: 25741868, with internal and published modifications).

NM_022916.6(VPS33A):c.484-2454_484-2452del

Gene: VPS33A (VPS33A core subunit of CORVET and HOPS complexes; minus strand). Cytogenetic location: 12q24.31.
Variant type: Deletion.
Coding change: c.484-2454_484-2452del on transcript NM_022916.6 (MANE Select); 2454 bases into the intron before coding-DNA position 484 through 2452 bases into the intron before coding-DNA position 484, 3 bases deleted (TTT; older notation c.484-2454_484-2452delTTT).
Molecular consequence: intron variant.
Genome position (GRCh38, 1-based): chr12:122,253,551-122,253,553, AAA deleted on the plus strand (TTT on the coding strand, the reverse complement: VPS33A is on the minus strand); deleting any 3 consecutive bases within chr12:122,253,551-122,253,568 gives the same sequence; the c. name uses the placement nearest the transcript's 3' end. VCF-style (leftmost placement, unchanged base first): chr12-122253550-CAAA-C. GRCh37 (hg19) VCF-style: chr12-122738097-CAAA-C.
Other names: c.484-2454_484-2452del (NM_001351020.2); c.451-2454_451-2452del (NM_001351018.2); c.436-2454_436-2452del (NM_001351019.2); c.484-10_484-8del (NM_001351021.2).
Identifiers: ClinVar variation 3041548 (VCV003041548.2), dbSNP rs35143468, ClinGen allele CA607949352.